The following is an entry in ClinVar:

ClinVar aggregate classification (germline): Likely benign (0 of 4 stars; one submission).

Conditions:
KATNAL2-related disorder. Also called: KATNAL2-related condition.

Allele frequency attached by ClinVar (database versions not stated): gnomAD 0.00015; TOPMed 0.00017; gnomAD exomes 0.00022.
gnomAD v4.1: 227 of 1,081,506 alleles (0.021%); highest among the groups gnomAD compares: Non-Finnish European, 0.023%; no homozygotes.

Submission:

PreventionGenetics, part of Exact Sciences
Classification: Likely benign for KATNAL2-related condition. Last evaluated: 2019-04-16. Review status: no assertion criteria provided. Collection method: clinical testing. Allele origin: germline.
Comment: This variant is classified as likely benign based on ACMG/AMP sequence variant interpretation guidelines (Richards et al. 2015 PMID: 25741868, with internal and published modifications).

NM_001387690.1(KATNAL2):c.-338A>T

Gene: KATNAL2 (katanin catalytic subunit A1 like 2; plus strand). Cytogenetic location: 18q21.1.
Variant type: single nucleotide variant.
Coding change: c.-338A>T on transcript NM_001387690.1 (MANE Select); 338 bases upstream of the start codon, A replaced by T.
Molecular consequence: 5 prime UTR variant. On other transcripts: synonymous variant (3), non-coding transcript variant (1).
Genome position (GRCh38, 1-based): chr18:46,946,228, A>T. VCF-style: chr18-46946228-A-T. GRCh37 (hg19) VCF-style: chr18-44526191-A-T.
Other names: c.12A>T, p.Ile4= (NM_001353899.1, NM_001353900.1, NM_001353902.1); c.-338A>T (NM_001353901.1); c.-119A>T (NM_001353903.1, NM_001353906.1, NM_001353908.1); c.-390A>T (NM_001353904.1, NM_001353907.1, NM_001353909.1); c.-412A>T (NM_001353905.1).
Identifiers: ClinVar variation 3046920 (VCV003046920.2), dbSNP rs554511864, ClinGen allele CA8953889.